The following is an entry in ClinVar:

ClinVar aggregate classification (germline): Pathogenic (1 of 4 stars; one submission).

Submission:

GeneDx
Classification: Pathogenic. Last evaluated: 2017-10-26. Review status: criteria provided, single submitter. Criteria: GeneDx Variant Classification (06012015). Collection method: clinical testing. Allele origin: germline. Affected: yes.
Comment: The c.600dupT pathogenic variant in the SCN1A gene causes a frameshift starting with codon Alanine201, changes this amino acid to a Cysteine residue and creates a premature Stop codon at position 76of the new reading frame, denoted p.Ala201CysfsX76. This pathogenic variant is predicted to causeloss of normal protein function either through protein truncation or nonsense-mediated mRNA decay.

NM_001165963.4(SCN1A):c.600dup (p.Ala201fs)

Gene: SCN1A (sodium voltage-gated channel alpha subunit 1; minus strand). Cytogenetic location: 2q24.3.
Variant type: Duplication.
Coding change: c.600dup on transcript NM_001165963.4 (MANE Select); coding-DNA position 600, one base duplicated (T; older notation c.600dupT).
Protein change: p.Ala201fs; shifts the reading frame from alanine 201.
Molecular consequence: frameshift variant. On other transcripts: 5 prime UTR variant (1), non-coding transcript variant (1).
Genome position (GRCh38, 1-based): chr2:166,054,640, A duplicated on the plus strand (T on the coding strand, the reverse complement: SCN1A is on the minus strand); the first of 3 consecutive A bases (chr2:166,054,640-166,054,642); duplicating any one gives the same sequence. VCF-style (leftmost placement, unchanged base first): chr2-166054639-C-CA. GRCh37 (hg19) VCF-style: chr2-166911149-C-CA.
Other names: c.600dup, p.Ala201fs (NM_001165964.3, NM_001202435.3, NM_001353948.2 and 10 more transcripts); c.-1826dup (NM_001353961.2); short protein forms A201fs.
Identifiers: ClinVar variation 280547 (VCV000280547.2), dbSNP rs886041733, ClinGen allele CA10602805.